The following is an entry in ClinVar:

ClinVar aggregate classification (germline): Benign (1 of 4 stars; one submission).

gnomAD v4.1: 91,128 of 454,834 alleles (20%); highest among the groups gnomAD compares: Admixed American, 40%; 10,708 homozygotes.

Submission:

Unidad de Genómica Garrahan, Hospital de Pediatría Garrahan
Classification: Benign. Last evaluated: 2024-07-31. Review status: criteria provided, single submitter. Criteria: ACMG Guidelines, 2015. Collection method: clinical testing. Allele origin: germline. Affected: no. Observed: 46 variant alleles.
Comment: This variant is classified as Benign based on local population frequency. This variant was detected in 49% of patients studied in a panel designed for Epileptic and Developmental Encephalopathy, Progressive Myoclonus Epilepsy and Abnormal Movements and Neurodegeneration with brain iron accumulation. Number of patients: 46. Only high quality variants are reported.

NM_024537.4(CARS2):c.393+3504G>A

Gene: CARS2 (cysteinyl-tRNA synthetase 2, mitochondrial; minus strand). Cytogenetic location: 13q34.
Variant type: single nucleotide variant.
Coding change: c.393+3504G>A on transcript NM_024537.4 (MANE Select); 3504 bases into the intron after coding-DNA position 393, G replaced by A.
Molecular consequence: intron variant. On other transcripts: non-coding transcript variant (1).
Genome position (GRCh38, 1-based): chr13:110,697,934, C>T on the plus strand (G>A on the coding strand, the complement: CARS2 is on the minus strand). VCF-style: chr13-110697934-C-T. GRCh37 (hg19) VCF-style: chr13-111350281-C-T.
Other names: c.-607+3504G>A (NM_001352252.2); c.393+3504G>A (NM_001352253.3).
Identifiers: ClinVar variation 3256806 (VCV003256806.2).
Genomic context (GRCh38, chr13:110,697,934, plus strand): 5'-AGTTATGAGAAAGACAAATCAATAGAAAATAGGAAGACAGAGACCTCAGTGAAAATGTTC[C>T]TCAAGGACCTCACACCATTCCTTTGACTCATGCCTAAGAGACAAGAGAAGAGCTCTGTTC-3'